The following continues an entry in ClinVar:

NM_024675.4(PALB2):c.2897T>C (p.Ile966Thr)

Gene: PALB2. ClinVar aggregate classification (germline): Conflicting classifications of pathogenicity. Uncertain significance (15); Likely benign (2).

Submissions 7 to 20 of 20:

KCCC/NGS Laboratory, Kuwait Cancer Control Center
Classification: Uncertain significance for Breast-ovarian cancer, familial, susceptibility to, 5. Last evaluated: 2024-10-09. Review status: criteria provided, single submitter. Criteria: ACMG Guidelines, 2015. Collection method: clinical testing. Allele origin: germline. Inheritance: Autosomal dominant inheritance. Affected: yes. Observed: 1 heterozygote.
Comment: This sequence change replaces isoleucine, which is neutral and non-polar, with threonine, which is neutral and polar, at codon 966 of the PALB2 protein (p.Ile966Thr). This variant is present in population databases (rs587780214, gnomAD 0.007%). This amino acid position is highly conserved ( PhyloP=5.18) . This missense change has been observed in individual(s) with a personal and/or family history of breast and/or ovarian cancer (PMID: 25575445, 26328243, 35610400). ClinVar contains an entry for this variant (Variation ID: 128136). In addition, the in silico prediction for this alteration is inconclusive. Experimental studies have shown that this missense change does not substantially affect PALB2 function (PMID: 31757951). In summary, the available evidence is currently insufficient to determine the role of this variant in disease. Therefore, it has been classified as a Variant of Uncertain Significance. Pathogenic/likely pathogenic mutations in the PALB2 gene cause susceptibility to breast cancer (OMIM# 114480).

Blueprint Genetics
Classification: Uncertain significance. Last evaluated: 2024-10-04. Review status: criteria provided, single submitter. Criteria: ACMG Guidelines, 2015. Collection method: clinical testing. Allele origin: germline.

Ambry Genetics
Classification: Uncertain significance for Hereditary cancer-predisposing syndrome. Last evaluated: 2024-07-05. Review status: criteria provided, single submitter. Criteria: Ambry Variant Classification Scheme 2023. Collection method: clinical testing. Allele origin: germline.
Comment: The p.I966T variant (also known as c.2897T>C), located in coding exon 9 of the PALB2 gene, results from a T to C substitution at nucleotide position 2897. The isoleucine at codon 966 is replaced by threonine, an amino acid with similar properties. This individual was also found to have a pathogenic MLH1 mutation (Ollier M et al. Am J Cancer Res 2015; 5(7):2113-26). This alteration was also identified in an individual diagnosed with breast and/or ovarian cancer (Gonzalez A et al. Breast Cancer Res Treat, 2022 Jul;194:403-412). Additionally, one functional study found that this alteration did not demonstrate a significant reduction in homologous recombination efficiency or a significant reduction in resistance to PARP inhibitor compared to wildtype (Boonen RACM et al. Nat Commun, 2019 11;10:5296). This amino acid position is highly conserved in available vertebrate species. In addition, the in silico prediction for this alteration is inconclusive. Based on the available evidence, the clinical significance of this variant remains unclear.

Baylor Genetics
Classification: Uncertain significance for Familial cancer of breast. Last evaluated: 2024-03-14. Review status: criteria provided, single submitter. Criteria: ACMG Guidelines, 2015. Collection method: clinical testing. Allele origin: unknown.

Myriad Genetics, Inc.
Classification: Likely benign for Familial cancer of breast. Last evaluated: 2023-03-31. Review status: criteria provided, single submitter. Criteria: Myriad Autosomal Dominant, Autosomal Recessive and X-Linked Classification Criteria (2023). Collection method: clinical testing. Allele origin: unknown.
Comment: This variant is considered likely benign. This variant is strongly associated with less severe personal and family histories of cancer, typical for individuals without pathogenic variants in this gene [PMID: 25085752].

Sema4
Classification: Uncertain significance for Hereditary cancer-predisposing syndrome. Last evaluated: 2022-03-02. Review status: criteria provided, single submitter. Criteria: Sema4 Curation Guidelines. Collection method: curation. Allele origin: germline.
Comment: The PALB2 c.2897T>C (p.I966T) variant has been reported in heterozygosity in at least two individuals with breast cancer including an individual with breast cancer, endometrial cancer, and colorectal cancer who also carried a pathogenic MLH1 variant (PMID: 26328243, 33471991). Functional studies have shown that this variant does not significantly affect homologous recombination efficiency or resistance to PARP inhibitor in Palb2 knockout mouse embryonic stem cells (PMID: 31757951).This variant was observed in 1/16256 chromosomes in the African/African American population according to the Genome Aggregation Database (PMID: 32461654). The variant has been reported in ClinVar (Variation ID: 128136). The evidence is insufficient to meet ACMG/AMP criteria for classifying the variant as benign or pathogenic. Based on the current evidence available, this variant is interpreted as a variant of uncertain significance.

Color Diagnostics, LLC DBA Color Health
Classification: Likely benign for Hereditary cancer-predisposing syndrome. Last evaluated: 2021-05-21. Review status: criteria provided, single submitter. Criteria: ACMG Guidelines, 2015. Collection method: clinical testing. Allele origin: germline.

Department of Pathology and Laboratory Medicine, Sinai Health System
Classification: Uncertain significance for Breast-ovarian cancer, familial, susceptibility to, 5. Last evaluated: 2020-04-30. Review status: criteria provided, single submitter. Criteria: ACMG Guidelines, 2015. Collection method: clinical testing. Allele origin: germline. Affected: yes.

CeGaT Center for Human Genetics Tuebingen
Classification: Uncertain significance. Last evaluated: 2020-01-01. Review status: criteria provided, single submitter. Criteria: CeGaT Center For Human Genetics Tuebingen Variant Classification Criteria Version 2. Collection method: clinical testing. Allele origin: germline. Affected: yes. Observed: 2 variant alleles.

Fulgent Genetics
Classification: Uncertain significance for Familial cancer of breast; Fanconi anemia complementation group N; Pancreatic cancer, susceptibility to, 3. Last evaluated: 2018-10-31. Review status: criteria provided, single submitter. Criteria: ACMG Guidelines, 2015. Collection method: clinical testing. Allele origin: unknown.

Mendelics
Classification: Uncertain significance for Hereditary cancer-predisposing syndrome. Last evaluated: 2018-07-02. Review status: criteria provided, single submitter. Criteria: Mendelics Assertion Criteria 2017. Collection method: clinical testing. Allele origin: unknown.

Leiden Open Variation Database
Classification: Uncertain significance. Last evaluated: 2019-12-04. Review status: no assertion criteria provided. Collection method: curation. Allele origin: germline. Affected: yes. Not counted in ClinVar's aggregate classification.
Comment: Curators: Marc Tischkowitz, Arleen D. Auerbach. Submitter to LOVD: Andreas Laner.

Counsyl
Classification: Uncertain significance for Familial cancer of breast. Last evaluated: 2017-02-17. Review status: no assertion criteria provided. Collection method: clinical testing. Allele origin: unknown. Not counted in ClinVar's aggregate classification.

Molecular Oncology Laboratory, Centre Jean Perrin
Classification: association for Triple-negative breast cancer. Last evaluated: 2015-02-26. Review status: no assertion criteria provided. Collection method: case-control. Allele origin: germline. Affected: yes. Observed: 1 variant allele. Study: New genes of triple-negative familial non-BRCA1/2 breast cancer susceptibility give insights for targeted therapies. Not counted in ClinVar's aggregate classification.
Comment: PALB2 protein absent in tumor tissue (IHC)

Literature cited by the submitters: PubMed 25575445 (cited by 6 submitters); PubMed 26328243 (cited by 8 submitters); PubMed 29641532 (cited by Labcorp Genetics (formerly Invitae), Labcorp and Quest Diagnostics Nichols Institute San Juan Capistrano); PubMed 35534704 (cited by 3 submitters); PubMed 35610400 (cited by 4 submitters); PubMed 31757951 (cited by 5 submitters); PubMed 33471991 (cited by 3 submitters); PubMed 35263119 (cited by Women's Health and Genetics/Laboratory Corporation of America, LabCorp and Quest Diagnostics Nichols Institute San Juan Capistrano); PubMed 37937776 (cited by Women's Health and Genetics/Laboratory Corporation of America, LabCorp); PubMed 33195396 (cited by Quest Diagnostics Nichols Institute San Juan Capistrano); PubMed 30638972 (cited by Quest Diagnostics Nichols Institute San Juan Capistrano); PubMed 25085752 (cited by Myriad Genetics, Inc.).